The following is an entry in ClinVar:

NM_004999.4(MYO6):c.2836C>T (p.Arg946Cys)

Gene: MYO6 (myosin VI; plus strand). Cytogenetic location: 6q14.1.
Variant type: single nucleotide variant.
Coding change: c.2836C>T on transcript NM_004999.4 (MANE Select); coding-DNA position 2836, C replaced by T.
Protein change: p.Arg946Cys; replaces arginine 946 with cysteine.
Molecular consequence: missense variant. On other transcripts: non-coding transcript variant (1).
Genome position (GRCh38, 1-based): chr6:75,890,234, C>T. VCF-style: chr6-75890234-C-T. GRCh37 (hg19) VCF-style: chr6-76599951-C-T.
Other names: NM_004999.3(MYO6):c.2836C>T(p.Arg946Cys); NM_004999.3(MYO6):c.2836C>T; NM_004999.4(MYO6):c.2836C>T; c.2836C>T, p.Arg946Cys (NM_001300899.2, NM_001368136.1, NM_001368137.1 and 2 more transcripts); c.2821C>T, p.Arg941Cys (NM_001368138.1); short protein forms R946C, R941C.
Identifiers: ClinVar variation 164639 (VCV000164639.71), dbSNP rs141845119, ClinGen allele CA177354.

ClinVar aggregate classification (germline): Benign. Review status: reviewed by expert panel (3 of 4 stars). 14 submissions from 13 submitters: Benign (1). 13 of the submissions do not count toward it. Last evaluated 2024-12-18.

Conditions:
MYO6-related disorder. Also called: MYO6-related condition; MYO6-related disorders.
Nonsyndromic genetic hearing loss. Also called: Nonsyndromic hearing loss and deafness; Nonsyndromic genetic deafness; Non-syndromic genetic deafness. Identifiers: Orphanet 87884, MedGen C5680182, MONDO:0019497.
Autosomal dominant nonsyndromic hearing loss 22. Also called: DFNA 22; Autosomal dominant nonsyndromic deafness 22. Identifiers: Orphanet 228012, MedGen C2931767, MONDO:0011660, OMIM 606346.
Autosomal recessive nonsyndromic hearing loss 37. Identifiers: Orphanet 90636, MedGen C1843028, MONDO:0011912, OMIM 607821.

Allele frequency attached by ClinVar (database versions not stated): TOPMed 0.00024; ESP Exome Variant Server 0.00031; gnomAD 0.00039 and 0.00044; 1000 Genomes Project 0.00060; 1000 Genomes Project 30x 0.00094.
gnomAD v4.1: 776 of 1,612,356 alleles (0.048%); highest among the groups gnomAD compares: South Asian, 0.13%; 1 homozygote.

Submissions (14):

ClinGen Hearing Loss Variant Curation Expert Panel
Classification: Benign for Nonsyndromic genetic hearing loss. Last evaluated: 2024-12-18. Review status: reviewed by expert panel. Criteria: Clingen Hl Acmg Specifications Cdh23 Coch Gjb2 Kcnq4 Myo6 Myo7a Slc26a4 Tecta Ush2a V2. Collection method: curation. Allele origin: germline. Inheritance: Autosomal recessive inheritance.
Comment: The c.2836C>T(NM_004999.4) variant in MYO6 is a missense variant predicted to cause substitution of arginine by cysteine at amino acid 946 (p.Arg946Cys). The filtering allele frequency of the c.2836C>T variant in the MYO6 gene is 0.12% for South Asian chromosomes by the Genome Aggregation Database v4 (94/63976 with 95% CI), which is a high enough frequency to be classified as benign based on thresholds defined by the ClinGen Hearing Loss Expert Panel for autosomal dominant hearing loss variants (BA1). (ClinGen Hearing Loss VCEP specifications version 2; 12.18.2024)

CeGaT Center for Human Genetics Tuebingen
Classification: Likely benign. Last evaluated: 2026-01-01. Review status: criteria provided, single submitter. Criteria: CeGaT Center For Human Genetics Tuebingen Variant Classification Criteria Version 2. Collection method: clinical testing. Allele origin: germline. Affected: yes. Observed: 3 variant alleles. Not counted in ClinVar's aggregate classification.
Comment: MYO6: BS1:Supporting

Women's Health and Genetics/Laboratory Corporation of America, LabCorp
Classification: Uncertain significance. Last evaluated: 2025-11-14. Review status: criteria provided, single submitter. Criteria: LabCorp Variant Classification Summary - May 2015. Collection method: clinical testing. Allele origin: germline. Not counted in ClinVar's aggregate classification.
Comment: Variant summary: MYO6 c.2836C>T (p.Arg946Cys) results in a non-conservative amino acid change in the encoded protein sequence. Algorithms developed to predict the effect of missense changes on protein structure and function are either unavailable or do not agree on the potential impact of this missense change. The variant allele was found at a frequency of 0.00073 in 250866 control chromosomes in the gnomAD database, including 1 homozygotes. This frequency is not significantly higher than estimated for disease-causing variants in MYO6, allowing no conclusion about variant significance. c.2836C>T has been observed in individual(s) affected with MYO6-Related Disorders. These report(s) do not provide unequivocal conclusions about association of the variant with MYO6-Related Disorders. To our knowledge, no experimental evidence demonstrating an impact on protein function has been reported. ClinVar contains an entry for this variant (Variation ID: 164639). Based on the evidence outlined above, the variant was classified as uncertain significance.

Labcorp Genetics (formerly Invitae), Labcorp
Classification: Likely benign. Last evaluated: 2025-09-08. Review status: criteria provided, single submitter. Criteria: Invitae Variant Classification Sherloc (09022015). Collection method: clinical testing. Allele origin: germline. Not counted in ClinVar's aggregate classification.

Blueprint Genetics
Classification: Uncertain significance. Last evaluated: 2024-11-05. Review status: criteria provided, single submitter. Criteria: ACMG Guidelines, 2015. Collection method: clinical testing. Allele origin: germline. Not counted in ClinVar's aggregate classification.

GeneDx
Classification: Likely benign. Last evaluated: 2020-10-20. Review status: criteria provided, single submitter. Criteria: GeneDx Variant Classification Process June 2021. Collection method: clinical testing. Allele origin: germline. Affected: yes. Not counted in ClinVar's aggregate classification.
Comment: This variant is associated with the following publications: (PMID: 27068579)

Athena Diagnostics
Classification: Uncertain significance. Last evaluated: 2019-03-21. Review status: criteria provided, single submitter. Criteria: Athena Diagnostics Criteria. Collection method: clinical testing. Allele origin: germline. Not counted in ClinVar's aggregate classification.

Illumina Laboratory Services, Illumina
Classification: Uncertain significance for Autosomal recessive nonsyndromic hearing loss 37. Last evaluated: 2018-01-12. Review status: criteria provided, single submitter. Criteria: ICSL Variant Classification Criteria 13 December 2019. Collection method: clinical testing. Allele origin: germline. Not counted in ClinVar's aggregate classification.

Illumina Laboratory Services, Illumina
Classification: Likely benign for Autosomal dominant nonsyndromic hearing loss 22. Last evaluated: 2018-01-12. Review status: criteria provided, single submitter. Criteria: ICSL Variant Classification Criteria 13 December 2019. Collection method: clinical testing. Allele origin: germline. Not counted in ClinVar's aggregate classification.
Comment: This variant was observed in the ICSL laboratory as part of a predisposition screen in an ostensibly healthy population. It had not been previously curated by ICSL or reported in the Human Gene Mutation Database (HGMD: prior to June 1st, 2018), and was therefore a candidate for classification through an automated scoring system. Utilizing variant allele frequency, disease prevalence and penetrance estimates, and inheritance mode, an automated score was calculated to assess if this variant is too frequent to cause the disease. Based on the score and internal cut-off values, a variant classified as likely benign is not then subjected to further curation. The score for this variant resulted in a classification of likely benign for this disease.

Eurofins Ntd Llc (ga)
Classification: Uncertain significance. Last evaluated: 2015-01-30. Review status: criteria provided, single submitter. Criteria: EGL Classification Definitions 2015. Collection method: clinical testing. Allele origin: germline. Observed: 1 variant allele, 1 heterozygote. Not counted in ClinVar's aggregate classification.

Laboratory for Molecular Medicine, Mass General Brigham Personalized Medicine
Classification: Uncertain significance. Last evaluated: 2013-08-16. Review status: criteria provided, single submitter. Criteria: LMM Criteria. Collection method: clinical testing. Allele origin: germline. Observed: 1 variant allele. Not counted in ClinVar's aggregate classification.
Comment: The Arg946Cys variant in MYO6 has not been reported in individuals with hearing loss, but has been identified in 0.04% (4/8600) of European American chromosomes by the NHLBI Exome Sequencing Project (dbSNP rs141845119). Although this variant has been seen in the general population, it s frequency is not high enough to rule out a pathogenic role. Computational anal yses (biochemical amino acid properties, conservation, AlignGVGD, PolyPhen2, and SIFT) do not provide strong support for or against an impact to the protein. In summary, the clinical significance of this variant cannot be determined with ce rtainty.

PreventionGenetics, part of Exact Sciences
Classification: Likely benign for MYO6-related condition. Last evaluated: 2019-10-29. Review status: no assertion criteria provided. Collection method: clinical testing. Allele origin: germline. Not counted in ClinVar's aggregate classification.
Comment: This variant is classified as likely benign based on ACMG/AMP sequence variant interpretation guidelines (Richards et al. 2015 PMID: 25741868, with internal and published modifications).

Clinical Genetics DNA and cytogenetics Diagnostics Lab, Erasmus MC, Erasmus Medical Center
Classification: Likely benign. Review status: no assertion criteria provided. Collection method: clinical testing. Allele origin: germline. Affected: yes. Study: VKGL Data-share Consensus. Not counted in ClinVar's aggregate classification.

Joint Genome Diagnostic Labs from Nijmegen and Maastricht, Radboudumc and MUMC+
Classification: Likely benign. Review status: no assertion criteria provided. Collection method: clinical testing. Allele origin: germline. Affected: yes. Study: VKGL Data-share Consensus. Not counted in ClinVar's aggregate classification.

Literature cited by the submitters: PubMed 27068579 (cited by Women's Health and Genetics/Laboratory Corporation of America, LabCorp).